The following is an entry in ClinVar:

NM_021620.4(PRDM13):c.2032G>A (p.Asp678Asn)

Gene: PRDM13 (PR/SET domain 13; plus strand). Cytogenetic location: 6q16.2.
Variant type: single nucleotide variant.
Coding change: c.2032G>A on transcript NM_021620.4 (MANE Select); coding-DNA position 2032, G replaced by A.
Protein change: p.Asp678Asn; replaces aspartic acid 678 with asparagine.
Molecular consequence: missense variant.
Genome position (GRCh38, 1-based): chr6:99,614,667, G>A. VCF-style: chr6-99614667-G-A. GRCh37 (hg19) VCF-style: chr6-100062543-G-A.
Other names: short protein forms D678N.
Identifiers: ClinVar variation 1431023 (VCV001431023.8), dbSNP rs1770104285, ClinGen allele CA365122675.

ClinVar aggregate classification (germline): Uncertain significance (1 of 4 stars; one submission).

Allele frequency attached by ClinVar (database versions not stated): TOPMed 0.00001.

Submission:

Labcorp Genetics (formerly Invitae), Labcorp
Classification: Uncertain significance. Last evaluated: 2024-04-10. Review status: criteria provided, single submitter. Criteria: Invitae Variant Classification Sherloc (09022015). Collection method: clinical testing. Allele origin: germline.
Comment: This sequence change replaces aspartic acid, which is acidic and polar, with asparagine, which is neutral and polar, at codon 678 of the PRDM13 protein (p.Asp678Asn). This variant is not present in population databases (gnomAD no frequency). This variant has not been reported in the literature in individuals affected with PRDM13-related conditions. ClinVar contains an entry for this variant (Variation ID: 1431023). An algorithm developed to predict the effect of missense changes on protein structure and function (PolyPhen-2) suggests that this variant is likely to be tolerated. In summary, the available evidence is currently insufficient to determine the role of this variant in disease. Therefore, it has been classified as a Variant of Uncertain Significance.